The following is an entry in ClinVar:

NM_014727.3(KMT2B):c.7440C>T (p.Pro2480=)

Gene: KMT2B (lysine methyltransferase 2B; plus strand). Cytogenetic location: 19q13.12.
Variant type: single nucleotide variant.
Coding change: c.7440C>T on transcript NM_014727.3 (MANE Select); coding-DNA position 7440, C replaced by T.
Protein change: p.Pro2480=; no amino-acid change (proline 2480 retained).
Molecular consequence: synonymous variant.
Genome position (GRCh38, 1-based): chr19:35,737,153, C>T. VCF-style: chr19-35737153-C-T. GRCh37 (hg19) VCF-style: chr19-36228054-C-T.
Other names: c.7440C>T (NM_014727.2).
Identifiers: ClinVar variation 2076206 (VCV002076206.6), dbSNP rs769187500, ClinGen allele CA9385967.

ClinVar aggregate classification (germline): Likely benign. Review status: criteria provided, single submitter (1 of 4 stars). 2 submissions from 2 submitters: Likely benign (1). 1 of the submissions does not count toward it. Last evaluated 2025-09-08.

Conditions:
KMT2B-related disorder. Also called: KMT2B-related disorders; KMT2B-related condition. Identifiers: MedGen CN381338.

Allele frequency attached by ClinVar (database versions not stated): ExAC 0.00001; gnomAD exomes 0.00002; TOPMed 0.00002; gnomAD 0.00003.
gnomAD v4.1: 34 of 1,609,750 alleles (0.0021%); highest among the groups gnomAD compares: Admixed American, 0.0034%; no homozygotes.

Submissions (2):

Labcorp Genetics (formerly Invitae), Labcorp
Classification: Likely benign. Last evaluated: 2025-09-08. Review status: criteria provided, single submitter. Criteria: Invitae Variant Classification Sherloc (09022015). Collection method: clinical testing. Allele origin: germline.

PreventionGenetics, part of Exact Sciences
Classification: Likely benign for KMT2B-related condition. Last evaluated: 2019-07-15. Review status: no assertion criteria provided. Collection method: clinical testing. Allele origin: germline. Not counted in ClinVar's aggregate classification.
Comment: This variant is classified as likely benign based on ACMG/AMP sequence variant interpretation guidelines (Richards et al. 2015 PMID: 25741868, with internal and published modifications).